The following is an entry in ClinVar:

ClinVar aggregate classification (germline): Pathogenic (1 of 4 stars; one submission).

Allele frequency attached by ClinVar (database versions not stated): gnomAD 0.00001; gnomAD exomes 0.00001; TOPMed 0.00001.

Submission:

Labcorp Genetics (formerly Invitae), Labcorp
Classification: Pathogenic. Last evaluated: 2023-06-09. Review status: criteria provided, single submitter. Criteria: Invitae Variant Classification Sherloc (09022015). Collection method: clinical testing. Allele origin: germline.
Comment: This sequence change creates a premature translational stop signal (p.Gly838Glufs*9) in the CC2D1A gene. It is expected to result in an absent or disrupted protein product. Loss-of-function variants in CC2D1A are known to be pathogenic (PMID: 16033914). This variant is present in population databases (no rsID available, gnomAD 0.01%). For these reasons, this variant has been classified as Pathogenic. This variant has not been reported in the literature in individuals affected with CC2D1A-related conditions.

Literature cited by the submitters: PubMed 16033914.

NM_017721.5(CC2D1A):c.2511_2512del (p.Gly838fs)

Gene: CC2D1A (coiled-coil and C2 domain containing 1A; plus strand). Cytogenetic location: 19p13.12.
Variant type: Deletion.
Coding change: c.2511_2512del on transcript NM_017721.5 (MANE Select); coding-DNA positions 2511 to 2512, 2 bases deleted (AG; older notation c.2511_2512delAG).
Protein change: p.Gly838fs; shifts the reading frame from glycine 838.
Molecular consequence: frameshift variant.
Genome position (GRCh38, 1-based): chr19:13,928,180-13,928,181, AG deleted. VCF-style (leftmost placement, unchanged base first): chr19-13928179-CAG-C. GRCh37 (hg19) VCF-style: chr19-14038992-CAG-C.
Other names: c.2508_2509del, p.Gly837fs (NM_001411138.1); short protein forms G838fs, G837fs.
Identifiers: ClinVar variation 2705325 (VCV002705325.3), dbSNP rs1232427997, ClinGen allele CA632124030.